The following is an entry in ClinVar:

ClinVar aggregate classification (germline): Uncertain significance (1 of 4 stars; one submission).

Conditions:
Long QT syndrome (LQTS). Identifiers: MedGen C0023976, MeSH D008133, MONDO:0002442. Disease mechanism: loss of function. Inheritance: Various modes of inheritance.

Submission:

Labcorp Genetics (formerly Invitae), Labcorp
Classification: Uncertain significance for Long QT syndrome. Last evaluated: 2023-10-22. Review status: criteria provided, single submitter. Criteria: Invitae Variant Classification Sherloc (09022015). Collection method: clinical testing. Allele origin: germline.
Comment: This sequence change affects the initiator methionine of the CACNA1C mRNA. The next in-frame methionine is located at codon 8. This variant is not present in population databases (gnomAD no frequency). This variant has not been reported in the literature in individuals affected with CACNA1C-related conditions. Experimental studies and prediction algorithms are not available or were not evaluated, and the functional significance of this variant is currently unknown. In summary, the available evidence is currently insufficient to determine the role of this variant in disease. Therefore, it has been classified as a Variant of Uncertain Significance.

NM_000719.7(CACNA1C):c.3G>T (p.Met1Ile)

Gene: CACNA1C (calcium voltage-gated channel subunit alpha1 C; plus strand). Cytogenetic location: 12p13.33.
Variant type: single nucleotide variant.
Coding change: c.3G>T on transcript NM_000719.7 (MANE Select); coding-DNA position 3, G replaced by T.
Protein change: p.Met1Ile; changes the start codon (methionine 1).
Molecular consequence: missense variant, initiator codon variant.
Genome position (GRCh38, 1-based): chr12:2,053,565, G>T. VCF-style: chr12-2053565-G-T. GRCh37 (hg19) VCF-style: chr12-2162731-G-T.
Other names: c.3G>T, p.Met1Ile (NM_001129827.2, NM_001129829.2, NM_001129830.3 and 19 more transcripts); short protein forms M1I.
Identifiers: ClinVar variation 2896571 (VCV002896571.3), dbSNP rs2543371574, ClinGen allele CA383650607.